The following is an entry in ClinVar:

ClinVar aggregate classification (germline): Uncertain significance. Review status: criteria provided, multiple submitters, no conflicts (2 of 4 stars). 2 submissions from 2 submitters: Uncertain significance (2). Last evaluated 2022-08-31.

Conditions:
Breast-ovarian cancer, familial, susceptibility to, 4. Identifiers: Orphanet 145, MedGen C3280345, MONDO:0013669, OMIM 614291.

Allele frequency attached by ClinVar (database versions not stated): gnomAD exomes below 0.00001.
gnomAD v4.1: 1 of 1,614,186 alleles (0.000062%); highest among the groups gnomAD compares: Middle Eastern, 0.016%; no homozygotes.

Submissions (2):

Labcorp Genetics (formerly Invitae), Labcorp
Classification: Uncertain significance for Breast-ovarian cancer, familial, susceptibility to, 4. Last evaluated: 2022-08-31. Review status: criteria provided, single submitter. Criteria: Invitae Variant Classification Sherloc (09022015). Collection method: clinical testing. Allele origin: germline.
Comment: In summary, the available evidence is currently insufficient to determine the role of this variant in disease. Therefore, it has been classified as a Variant of Uncertain Significance. This sequence change replaces threonine, which is neutral and polar, with isoleucine, which is neutral and non-polar, at codon 274 of the RAD51D protein (p.Thr274Ile). This variant is not present in population databases (gnomAD no frequency). This variant has not been reported in the literature in individuals affected with RAD51D-related conditions. ClinVar contains an entry for this variant (Variation ID: 182864). Algorithms developed to predict the effect of missense changes on protein structure and function are either unavailable or do not agree on the potential impact of this missense change (SIFT: "Tolerated"; PolyPhen-2: "Probably Damaging"; Align-GVGD: "Class C0").

GeneDx
Classification: Uncertain significance. Last evaluated: 2014-09-18. Review status: criteria provided, single submitter. Criteria: GeneDx Variant Classification (06012015). Collection method: clinical testing. Allele origin: germline. Affected: yes.
Comment: This variant is denoted RAD51D c.821C>T at the cDNA level, p.Thr274Ile (T274I) at the protein level, and results in the change of a Threonine to an Isoleucine (ACT>ATT). This variant has not, to our knowledge, been published in the literature as pathogenic or benign. RAD51D Thr274Ile was not observed in approximately 6,500 individuals of European and African American ancestry in the NHLBI Exome Sequencing Project, indicating it is not a common benign variant in these populations. Since Threonine and Isoleucine differ in polarity, charge, size or other properties, this is considered a non-conservative amino acid substitution. RAD51D Thr274Ile occurs at a position that is conserved across species and is not located in a known functional domain. In silico analyses predict that this variant is probably damaging to protein structure and function. Based on currently available information, it is unclear whether RAD51D Thr274Ile is pathogenic or benign. We consider it to be a variant of uncertain significance.

NM_002878.4(RAD51D):c.821C>T (p.Thr274Ile)

Genes: RAD51L3-RFFL (RAD51L3-RFFL readthrough; minus strand), RAD51D (RAD51 paralog D; minus strand). Cytogenetic location: 17q12.
Variant type: single nucleotide variant.
Coding change: c.821C>T on transcript NM_002878.4 (MANE Select); coding-DNA position 821, C replaced by T.
Protein change: p.Thr274Ile; replaces threonine 274 with isoleucine.
Molecular consequence: missense variant. On other transcripts: non-coding transcript variant (3).
Genome position (GRCh38, 1-based): chr17:35,101,283, G>A on the plus strand (C>T on the coding strand, the complement: RAD51D is on the minus strand). VCF-style: chr17-35101283-G-A. GRCh37 (hg19) VCF-style: chr17-33428302-G-A.
Other names: p.T274I:ACT>ATT; c.881C>T, p.Thr294Ile (NM_001142571.2); c.485C>T, p.Thr162Ile (NM_133629.3); short protein forms T274I, T162I, T294I.
Identifiers: ClinVar variation 182864 (VCV000182864.9), dbSNP rs730881951, ClinGen allele CA299948.
Genomic context (GRCh38, chr17:35,101,283, plus strand): 5'-CACGCCATGCGCCGGCCGCCTGATGCTCCTGCTCCCTCGATGGTGTCCAGGAGAATCCGA[G>A]TGCTGGGCACAAAGCTCCAGGAGCGTCCGAGGGCAGGTTTGAGCCTCCCGCTGTCCCTGT-3'
Protein context (NP_002869.3, residues 264-284): LGRSWSFVPS[Thr274Ile]RILLDTIEGA